The following is an entry in ClinVar:

ClinVar aggregate classification (germline): Likely benign. Review status: criteria provided, multiple submitters, no conflicts (2 of 4 stars). 3 submissions from 3 submitters: Likely benign (3). Last evaluated 2025-10-05.

Conditions:
Malignant hyperthermia, susceptibility to, 5 (MHS5). Also called: CACNA1S-Related Malignant Hyperthermia Susceptibility. Identifiers: Orphanet 423, MedGen C1866077, MONDO:0011163, OMIM 601887.
Hypokalemic periodic paralysis, type 1. Also called: HypoPP; Hypokalemic Periodic Paralysis Type 1 (AD). Identifiers: Orphanet 681, MedGen C3714580, MONDO:0042979, OMIM 170400.

Allele frequency attached by ClinVar (database versions not stated): gnomAD 0.00001; gnomAD exomes 0.00001 and 0.00002; ExAC 0.00003; TOPMed 0.00003; ESP Exome Variant Server 0.00008.
gnomAD v4.1: 13 of 1,613,092 alleles (0.00081%); highest among the groups gnomAD compares: African/African-American, 0.0053%; no homozygotes.

Submissions (3):

Labcorp Genetics (formerly Invitae), Labcorp
Classification: Likely benign for Hypokalemic periodic paralysis, type 1; Malignant hyperthermia, susceptibility to, 5. Last evaluated: 2025-10-05. Review status: criteria provided, single submitter. Criteria: Invitae Variant Classification Sherloc (09022015). Collection method: clinical testing. Allele origin: germline.

All of Us Research Program, National Institutes of Health
Classification: Likely benign for Malignant hyperthermia, susceptibility to, 5. Last evaluated: 2023-11-20. Review status: criteria provided, single submitter. Criteria: ACMG Guidelines, 2015. Collection method: clinical testing. Allele origin: germline. Inheritance: Autosomal dominant inheritance. Observed: 1 variant allele, 1 heterozygote.
Comment: This study involves interpretation of variants in research participants for the purpose of population health screening. Participant phenotype was not available at the time of variant classification. Additional details can be found in publication PMID: 35346344, PMCID: PMC8962531

Color Diagnostics, LLC DBA Color Health
Classification: Likely benign for Malignant hyperthermia, susceptibility to, 5. Last evaluated: 2022-11-06. Review status: criteria provided, single submitter. Criteria: ACMG Guidelines, 2015. Collection method: clinical testing. Allele origin: germline.

NM_000069.3(CACNA1S):c.4263C>T (p.Asp1421=)

Gene: CACNA1S (calcium voltage-gated channel subunit alpha1 S; minus strand). Cytogenetic location: 1q32.1.
Variant type: single nucleotide variant.
Coding change: c.4263C>T on transcript NM_000069.3 (MANE Select); coding-DNA position 4263, C replaced by T.
Protein change: p.Asp1421=; no amino-acid change (aspartic acid 1421 retained).
Molecular consequence: synonymous variant.
Genome position (GRCh38, 1-based): chr1:201,049,078, G>A on the plus strand (C>T on the coding strand, the complement: CACNA1S is on the minus strand). VCF-style: chr1-201049078-G-A. GRCh37 (hg19) VCF-style: chr1-201018206-G-A.
Identifiers: ClinVar variation 1103619 (VCV001103619.11), dbSNP rs368436684, ClinGen allele CA083205.